The following is an entry in ClinVar:

ClinVar aggregate classification (germline): Pathogenic (1 of 4 stars; one submission).

Submission:

Labcorp Genetics (formerly Invitae), Labcorp
Classification: Pathogenic. Last evaluated: 2022-05-12. Review status: criteria provided, single submitter. Criteria: Invitae Variant Classification Sherloc (09022015). Collection method: clinical testing. Allele origin: germline.
Comment: This variant is not present in population databases (gnomAD no frequency). For these reasons, this variant has been classified as Pathogenic. This variant has not been reported in the literature in individuals affected with POLE-related conditions. This sequence change creates a premature translational stop signal (p.Glu373Argfs*9) in the POLE gene. It is expected to result in an absent or disrupted protein product. Loss-of-function variants in POLE are known to be pathogenic (PMID: 23230001, 25948378, 30503519).

Literature cited by the submitters: PubMed 23230001; PubMed 25948378; PubMed 30503519.

NM_006231.4(POLE):c.1117del (p.Glu373fs)

Gene: POLE (DNA polymerase epsilon, catalytic subunit; minus strand). Cytogenetic location: 12q24.33.
Variant type: Deletion.
Coding change: c.1117del on transcript NM_006231.4 (MANE Select); coding-DNA position 1117, one base deleted (G; older notation c.1117delG).
Protein change: p.Glu373fs; shifts the reading frame from glutamic acid 373.
Molecular consequence: frameshift variant.
Genome position (GRCh38, 1-based): chr12:132,675,507, C deleted on the plus strand (G on the coding strand, the reverse complement: POLE is on the minus strand); the first of 2 consecutive C bases (chr12:132,675,507-132,675,508); deleting either gives the same sequence. VCF-style (leftmost placement, unchanged base first): chr12-132675506-TC-T. GRCh37 (hg19) VCF-style: chr12-133252092-TC-T.
Other names: short protein forms E373fs.
Identifiers: ClinVar variation 2123291 (VCV002123291.4), dbSNP rs2542159338, ClinGen allele CA2580086102.
Genomic context (GRCh38, chr12:132,675,506, plus strand): 5'-CTGTCCTTCTGGAAGCCTATCTCCTGCTGCATGCTCAGACCGTGGACTGCTGCCCGGGCC[TC>T]CACAAATGGCCTGGGTTGGAAAGAGGACAGACAAGCAAGTGGGCAGGTCAGGCTCTAATG-3'